The following is an entry in ClinVar:

ClinVar aggregate classification (germline): Uncertain significance. Review status: criteria provided, multiple submitters, no conflicts (2 of 4 stars). 2 submissions from 2 submitters: Uncertain significance (2). Last evaluated 2025-07-28.

Conditions:
Chédiak-Higashi syndrome (CHS). Also called: Chediak-Higashi Syndrome. Identifiers: Orphanet 167, MedGen C0007965, MONDO:0008963, OMIM 214500.

Allele frequency attached by ClinVar (database versions not stated): ExAC 0.00002.
gnomAD v4.1: 14 of 1,613,014 alleles (0.00087%); highest among the groups gnomAD compares: South Asian, 0.013%; no homozygotes.

Submissions (2):

Labcorp Genetics (formerly Invitae), Labcorp
Classification: Uncertain significance for Chédiak-Higashi syndrome. Last evaluated: 2025-07-28. Review status: criteria provided, single submitter. Criteria: Invitae Variant Classification Sherloc (09022015). Collection method: clinical testing. Allele origin: germline.
Comment: This sequence change replaces arginine, which is basic and polar, with serine, which is neutral and polar, at codon 2063 of the LYST protein (p.Arg2063Ser). This variant is present in population databases (rs755805102, gnomAD 0.01%). This variant has not been reported in the literature in individuals affected with LYST-related conditions. ClinVar contains an entry for this variant (Variation ID: 1004778). Invitae Evidence Modeling of protein sequence and biophysical properties (such as structural, functional, and spatial information, amino acid conservation, physicochemical variation, residue mobility, and thermodynamic stability) indicates that this missense variant is not expected to disrupt LYST protein function with a negative predictive value of 80%. In summary, the available evidence is currently insufficient to determine the role of this variant in disease. Therefore, it has been classified as a Variant of Uncertain Significance.

Revvity Omics, Revvity
Classification: Uncertain significance for Chédiak-Higashi syndrome. Last evaluated: 2020-04-03. Review status: criteria provided, single submitter. Criteria: ACMG Guidelines, 2015. Collection method: clinical testing. Allele origin: germline.

NM_000081.4(LYST):c.6189G>T (p.Arg2063Ser)

Gene: LYST (lysosomal trafficking regulator; minus strand). Cytogenetic location: 1q42.3.
Variant type: single nucleotide variant.
Coding change: c.6189G>T on transcript NM_000081.4 (MANE Select); coding-DNA position 6189, G replaced by T.
Protein change: p.Arg2063Ser; replaces arginine 2063 with serine.
Molecular consequence: missense variant.
Genome position (GRCh38, 1-based): chr1:235,762,784, C>A on the plus strand (G>T on the coding strand, the complement: LYST is on the minus strand). VCF-style: chr1-235762784-C-A. GRCh37 (hg19) VCF-style: chr1-235926084-C-A.
Other names: c.6189G>T, p.Arg2063Ser (NM_001301365.1); short protein forms R2063S.
Identifiers: ClinVar variation 1004778 (VCV001004778.9), dbSNP rs755805102, ClinGen allele CA1466424.
Genomic context (GRCh38, chr1:235,762,784, plus strand): 5'-ATATGGTGAAGCAGTAAAACCAGATGGGCTTATTACCATAAATCCAGGGCTCATAAGGGA[C>A]CTTCCTCCACTGCTGGAATGCCTCAGGTACATGATTGACCGCACTTTCTCCTGAAAGATC-3'
Protein context (NP_000072.2, residues 2053-2073): MYLRHSSSGG[Arg2063Ser]SLMSPGFMVI